The following is an entry in ClinVar:

ClinVar aggregate classification (germline): Uncertain significance (1 of 4 stars; one submission).

Conditions:
Adams-Oliver syndrome 5 (AOS5). Identifiers: Orphanet 974, MedGen C4014970, MONDO:0014459, OMIM 616028.

gnomAD v4.1: 3 of 1,611,114 alleles (0.00019%); highest among the groups gnomAD compares: Non-Finnish European, 0.00025%; no homozygotes.

Submission:

Labcorp Genetics (formerly Invitae), Labcorp
Classification: Uncertain significance for Adams-Oliver syndrome 5. Last evaluated: 2025-11-24. Review status: criteria provided, single submitter. Criteria: Invitae Variant Classification Sherloc (09022015). Collection method: clinical testing. Allele origin: germline.
Comment: This sequence change replaces valine, which is neutral and non-polar, with alanine, which is neutral and non-polar, at codon 553 of the NOTCH1 protein (p.Val553Ala). This variant is not present in population databases (gnomAD no frequency). This variant has not been reported in the literature in individuals affected with NOTCH1-related conditions. Invitae Evidence Modeling of protein sequence and biophysical properties (such as structural, functional, and spatial information, amino acid conservation, physicochemical variation, residue mobility, and thermodynamic stability) indicates that this missense variant is not expected to disrupt NOTCH1 protein function with a negative predictive value of 80%. Algorithms developed to predict the effect of sequence changes on RNA splicing suggest that this variant may create or strengthen a splice site. In summary, the available evidence is currently insufficient to determine the role of this variant in disease. Therefore, it has been classified as a Variant of Uncertain Significance.

NM_017617.5(NOTCH1):c.1658T>C (p.Val553Ala)

Gene: NOTCH1 (notch receptor 1; minus strand). Cytogenetic location: 9q34.3.
Variant type: single nucleotide variant.
Coding change: c.1658T>C on transcript NM_017617.5 (MANE Select); coding-DNA position 1658, T replaced by C.
Protein change: p.Val553Ala; replaces valine 553 with alanine.
Molecular consequence: missense variant.
Genome position (GRCh38, 1-based): chr9:136,515,992, A>G on the plus strand (T>C on the coding strand, the complement: NOTCH1 is on the minus strand). VCF-style: chr9-136515992-A-G. GRCh37 (hg19) VCF-style: chr9-139410444-A-G.
Other names: short protein forms V553A.
Identifiers: ClinVar variation 4706690 (VCV004706690.1).